The following is an entry in ClinVar:

NC_000011.9:g.(?_88911122)_(89018142_?)del

Gene: TYR (tyrosinase; plus strand). Cytogenetic location: 11q14.3.
Variant type: Deletion.
Identifiers: ClinVar variation 1454923 (VCV001454923.5).

ClinVar aggregate classification (germline): Pathogenic (1 of 4 stars; one submission).

Submission:

Labcorp Genetics (formerly Invitae), Labcorp
Classification: Pathogenic. Last evaluated: 2024-01-22. Review status: criteria provided, single submitter. Criteria: Invitae Variant Classification Sherloc (09022015). Collection method: clinical testing. Allele origin: germline.
Comment: This variant is a gross deletion of the genomic region encompassing exon(s) 1-4 of the TYR gene, which includes the initiator codon. This deletion extends beyond the assayed region for this gene and therefore may encompass additional genes. It is expected to result in an absent or disrupted protein product. Loss-of-function variants in TYR are known to be pathogenic (PMID: 23504663). This variant has not been reported in the literature in individuals affected with TYR-related conditions. For these reasons, this variant has been classified as Pathogenic.

Literature cited by the submitters: PubMed 23504663.